The following is an entry in ClinVar:

ClinVar aggregate classification (germline): Likely benign (0 of 4 stars; one submission).

Conditions:
EP400-related disorder. Also called: EP400-related condition.

Allele frequency attached by ClinVar (database versions not stated): gnomAD 0.00003; gnomAD exomes 0.00004; TOPMed 0.00006; 1000 Genomes Project 30x 0.00016; 1000 Genomes Project 0.00020; ExAC 0.00022.

Submission:

PreventionGenetics, part of Exact Sciences
Classification: Likely benign for EP400-related condition. Last evaluated: 2019-07-30. Review status: no assertion criteria provided. Collection method: clinical testing. Allele origin: germline.
Comment: This variant is classified as likely benign based on ACMG/AMP sequence variant interpretation guidelines (Richards et al. 2015 PMID: 25741868, with internal and published modifications).

NM_015409.5(EP400):c.1539A>G (p.Ala513=)

Gene: EP400 (E1A binding protein p400; plus strand). Cytogenetic location: 12q24.33.
Variant type: single nucleotide variant.
Coding change: c.1539A>G on transcript NM_015409.5 (MANE Select); coding-DNA position 1539, A replaced by G.
Protein change: p.Ala513=; no amino-acid change (alanine 513 retained).
Molecular consequence: synonymous variant.
Genome position (GRCh38, 1-based): chr12:131,981,592, A>G. VCF-style: chr12-131981592-A-G. GRCh37 (hg19) VCF-style: chr12-132466137-A-G.
Identifiers: ClinVar variation 3035422 (VCV003035422.2), dbSNP rs555250384, ClinGen allele CA6884769.